The following is an entry in ClinVar:

NM_001352027.3(PHF21A):c.1230dup (p.Lys411Ter)

Gene: PHF21A (PHD finger protein 21A; minus strand). Cytogenetic location: 11p11.2.
Variant type: Duplication.
Coding change: c.1230dup on transcript NM_001352027.3 (MANE Select); coding-DNA position 1230, one base duplicated (T; older notation c.1230dupT).
Protein change: p.Lys411Ter; replaces lysine 411 with a stop codon.
Molecular consequence: nonsense. On other transcripts: non-coding transcript variant (2).
Genome position (GRCh38, 1-based): chr11:45,948,944, A duplicated on the plus strand (T on the coding strand, the reverse complement: PHF21A is on the minus strand). VCF-style (leftmost placement, unchanged base first): chr11-45948943-T-TA. GRCh37 (hg19) VCF-style: chr11-45970494-T-TA.
Other names: c.1227dup, p.Lys410Ter (NM_001101802.3, NM_001352030.3, NM_001352031.3 and 1 more transcripts); c.1230dup, p.Lys411Ter (NM_001352025.3, NM_001352026.3, NM_001352028.1 and 2 more transcripts); short protein forms K410*, K411*.
Identifiers: ClinVar variation 2300672 (VCV002300672.2), dbSNP rs2496617094, ClinGen allele CA2580084113.

ClinVar aggregate classification (germline): Pathogenic (1 of 4 stars; one submission).

Conditions:
Inborn genetic diseases. Identifiers: MedGen C0950123, MeSH D030342.

Submission:

Ambry Genetics
Classification: Pathogenic for Inborn genetic diseases. Last evaluated: 2022-08-10. Review status: criteria provided, single submitter. Criteria: Ambry Variant Classification Scheme 2023. Collection method: clinical testing. Allele origin: germline.
Comment: The c.1227dupT (p.K410*) alteration, located in exon 13 (coding exon 11) of the PHF21A gene, consists of a duplication of T at position 1227. This changes the amino acid from a lysine (K) to a stop codon at amino acid position 410. This alteration is expected to result in loss of function by premature protein truncation or nonsense-mediated mRNA decay. This variant was not reported in population-based cohorts in the Genome Aggregation Database (gnomAD). Based on the available evidence, this alteration is classified as pathogenic.